The following is an entry in ClinVar:

NM_182914.3(SYNE2):c.15017C>T (p.Thr5006Ile)

Gene: SYNE2 (spectrin repeat containing nuclear envelope protein 2; plus strand). Cytogenetic location: 14q23.2.
Variant type: single nucleotide variant.
Coding change: c.15017C>T on transcript NM_182914.3 (MANE Select); coding-DNA position 15017, C replaced by T.
Protein change: p.Thr5006Ile; replaces threonine 5006 with isoleucine.
Molecular consequence: missense variant.
Genome position (GRCh38, 1-based): chr14:64,141,381, C>T. VCF-style: chr14-64141381-C-T. GRCh37 (hg19) VCF-style: chr14-64608099-C-T.
Other names: c.15017C>T, p.Thr5006Ile (NM_015180.6); short protein forms T5006I.
Identifiers: ClinVar variation 1035102 (VCV001035102.8), dbSNP rs1334553031, ClinGen allele CA389940076.

ClinVar aggregate classification (germline): Uncertain significance (1 of 4 stars; one submission).

Conditions:
Emery-Dreifuss muscular dystrophy 5, autosomal dominant (EDMD5). Also called: EMERY-DREIFUSS MUSCULAR DYSTROPHY 5. Identifiers: Orphanet 261, MedGen C2751805, MONDO:0013072, OMIM 612999.

Allele frequency attached by ClinVar (database versions not stated): gnomAD exomes below 0.00001.
gnomAD v4.1: 1 of 1,614,010 alleles (0.000062%); highest among the groups gnomAD compares: Non-Finnish European, 0.000085%; no homozygotes.

Submission:

Labcorp Genetics (formerly Invitae), Labcorp
Classification: Uncertain significance for Emery-Dreifuss muscular dystrophy 5, autosomal dominant. Last evaluated: 2022-08-23. Review status: criteria provided, single submitter. Criteria: Invitae Variant Classification Sherloc (09022015). Collection method: clinical testing. Allele origin: germline.
Comment: In summary, the available evidence is currently insufficient to determine the role of this variant in disease. Therefore, it has been classified as a Variant of Uncertain Significance. Algorithms developed to predict the effect of missense changes on protein structure and function are either unavailable or do not agree on the potential impact of this missense change (SIFT: "Tolerated"; PolyPhen-2: "Possibly Damaging"; Align-GVGD: "Class C0"). ClinVar contains an entry for this variant (Variation ID: 1035102). This variant has not been reported in the literature in individuals affected with SYNE2-related conditions. This variant is present in population databases (no rsID available, gnomAD 0.0009%). This sequence change replaces threonine, which is neutral and polar, with isoleucine, which is neutral and non-polar, at codon 5006 of the SYNE2 protein (p.Thr5006Ile).